The following is an entry in ClinVar:

NM_000828.5(GRIA3):c.2396G>T (p.Trp799Leu)

Gene: GRIA3 (glutamate ionotropic receptor AMPA type subunit 3; plus strand). Cytogenetic location: Xq25.
Variant type: single nucleotide variant.
Coding change: c.2396G>T on transcript NM_000828.5 (MANE Plus Clinical); coding-DNA position 2396, G replaced by T.
Protein change: p.Trp799Leu; replaces tryptophan 799 with leucine.
Molecular consequence: missense variant. On other transcripts: intron variant (1).
Genome position (GRCh38, 1-based): chrX:123,465,745, G>T. VCF-style: chrX-123465745-G-T. GRCh37 (hg19) VCF-style: chrX-122599596-G-T.
Other names: c.2324+633G>T (NM_007325.5); short protein forms W799L.
Identifiers: ClinVar variation 3030511 (VCV003030511.2), dbSNP rs2521333836, ClinGen allele CA414266246.
Genomic context (GRCh38, chrX:123,465,745, plus strand): 5'-ACCTGGCAGTATTAAAACTGAATGAGCAAGGCCTCTTGGACAAATTGAAAAACAAATGGT[G>T]GTACGACAAAGGAGAGTGCGGCAGCGGGGGCGGTGACTCCAAGGTCAGCCTCAATGTCAC-3'
Protein context (NP_000819.4, residues 789-809): GLLDKLKNKW[Trp799Leu]YDKGECGSGG

ClinVar aggregate classification (germline): Likely pathogenic (0 of 4 stars; one submission).

Conditions:
GRIA3-related disorder. Also called: GRIA3-related condition.

Submission:

PreventionGenetics, part of Exact Sciences
Classification: Likely pathogenic for GRIA3-related condition. Last evaluated: 2023-12-07. Review status: no assertion criteria provided. Collection method: clinical testing. Allele origin: germline.
Comment: The GRIA3 c.2396G>T variant is predicted to result in the amino acid substitution p.Trp799Leu. To our knowledge, this variant has not been reported in a large population database, indicating this variant is rare. Based on the available evidence, this variant is interpreted as likely pathogenic.